The following is an entry in ClinVar:

NM_000135.4(FANCA):c.1888G>T (p.Glu630Ter)

Gene: FANCA (FA complementation group A; minus strand). Cytogenetic location: 16q24.3.
Variant type: single nucleotide variant.
Coding change: c.1888G>T on transcript NM_000135.4 (MANE Select); coding-DNA position 1888, G replaced by T.
Protein change: p.Glu630Ter; replaces glutamic acid 630 with a stop codon.
Molecular consequence: nonsense.
Genome position (GRCh38, 1-based): chr16:89,775,754, C>A on the plus strand (G>T on the coding strand, the complement: FANCA is on the minus strand). VCF-style: chr16-89775754-C-A. GRCh37 (hg19) VCF-style: chr16-89842162-C-A.
Other names: c.1888G>T, p.Glu630Ter (NM_001286167.3); short protein forms E630*.
Identifiers: ClinVar variation 1725160 (VCV001725160.2), dbSNP rs2544213738, ClinGen allele CA397451811.
Genomic context (GRCh38, chr16:89,775,754, plus strand): 5'-AATGGAAAAGCACAAGTCCCAGAGTGGACAAGCGGCCCAGGAACTTACCTTCTGGCTTCT[C>A]TTCAGCAGCAGAGCAGGCCTGGCAGTAGGTGGAGTACAGAGATGGGGGGATTTTATCTGC-3'

ClinVar aggregate classification (germline): Likely pathogenic (1 of 4 stars; one submission).

Conditions:
Fanconi anemia complementation group A (FANCA). Also called: FANCA-Related Fanconi Anemia; Fanconi anemia, group A. Identifiers: Orphanet 84, MedGen C3469521, MONDO:0009215, OMIM 227650.

Submission:

Myriad Genetics, Inc.
Classification: Likely pathogenic for Fanconi anemia complementation group A. Last evaluated: 2022-03-10. Review status: criteria provided, single submitter. Criteria: Myriad Women's Health Autosomal Recessive and X-Linked Classification Criteria (2021). Collection method: clinical testing. Allele origin: unknown.
Comment: NM_000135.2(FANCA):c.1888G>T(E630*) is expected to be pathogenic in the context of Fanconi anemia complementation group A. This variant is predicted to lead to an abnormal or absent protein product due to the creation of a premature termination codon in FANCA, a gene where loss-of-function variants are known to be pathogenic. Please note: this variant was assessed in the context of healthy population screening.